The following is an entry in ClinVar:

ClinVar aggregate classification (germline): Conflicting classifications of pathogenicity. Review status: criteria provided, conflicting classifications (1 of 4 stars). 14 submissions from 13 submitters: Uncertain significance (6); Benign (2); Likely benign (6). Last evaluated 2026-08-01.

Conditions:
TTN-related disorder. Also called: TTN-related disorders; TTN-related condition; TTN-related disease.
Cardiovascular phenotype. Identifiers: MedGen CN230736.
Autosomal recessive limb-girdle muscular dystrophy type 2J (LGMDR10). Also called: MUSCULAR DYSTROPHY, LIMB-GIRDLE, AUTOSOMAL RECESSIVE 10; Limb-girdle muscular dystrophy, type 2J. Identifiers: Orphanet 140922, MedGen C1837342, MONDO:0012127, OMIM 608807.
Dilated cardiomyopathy 1G (CMD1G). Identifiers: Orphanet 154, MedGen C1858763, MONDO:0011400, OMIM 604145.
Cardiomyopathy (CMYO). Also called: Cardiomyopathies. Identifiers: Orphanet 167848, MedGen C0878544, MONDO:0004994, HP:0001638. Inheritance: Various modes of inheritance.
Early-onset myopathy with fatal cardiomyopathy (CMYO5). Also called: CONGENITAL MYOPATHY 5 WITH CARDIOMYOPATHY; Salih Myopathy. Identifiers: Orphanet 289377, MedGen C2673677, MONDO:0012714, OMIM 611705. Disease mechanism: loss of function.

Allele frequency attached by ClinVar (database versions not stated): gnomAD 0.00031 and 0.00034; TOPMed 0.00040; gnomAD exomes 0.00060 and 0.00029; ESP Exome Variant Server 0.00076; ExAC 0.00053.
gnomAD v4.1: 505 of 1,613,186 alleles (0.031%); highest among the groups gnomAD compares: Non-Finnish European, 0.006%; 1 homozygote.

Submissions (14):

CeGaT Center for Human Genetics Tuebingen
Classification: Likely benign. Last evaluated: 2026-08-01. Review status: criteria provided, single submitter. Criteria: CeGaT Center For Human Genetics Tuebingen Variant Classification Criteria Version 2. Collection method: clinical testing. Allele origin: germline. Affected: yes. Observed: 14 variant alleles.
Comment: TTN: BS2

Mayo Clinic Laboratories, Mayo Clinic
Classification: Likely benign. Last evaluated: 2025-06-23. Review status: criteria provided, single submitter. Criteria: ACMG Guidelines, 2015. Collection method: clinical testing. Allele origin: germline. Observed: 3 variant alleles.
Comment: BS1

PreventionGenetics, part of Exact Sciences
Classification: Likely benign for TTN-related condition. Last evaluated: 2025-04-17. Review status: criteria provided, single submitter. Criteria: ACMG Guidelines, 2015. Collection method: clinical testing. Allele origin: germline.
Comment: This variant is classified as likely benign based on ACMG/AMP sequence variant interpretation guidelines (Richards et al. 2015 PMID: 25741868, with internal and published modifications).

Molecular Diagnostic Laboratory for Inherited Cardiovascular Disease, Montreal Heart Institute
Classification: Likely benign. Last evaluated: 2025-04-09. Review status: criteria provided, single submitter. Criteria: ACMG Guidelines, 2015. Collection method: clinical testing. Allele origin: germline. Affected: no.

Women's Health and Genetics/Laboratory Corporation of America, LabCorp
Classification: Likely benign. Last evaluated: 2024-03-05. Review status: criteria provided, single submitter. Criteria: LabCorp Variant Classification Summary - May 2015. Collection method: clinical testing. Allele origin: germline.
Comment: Variant summary: TTN c.52301A>G (p.Asp17434Gly) results in a non-conservative amino acid change located in the A-band of the encoded protein sequence. Four of five in-silico tools predict a damaging effect of the variant on protein function. The variant allele was found at a frequency of 0.0006 in 248058 control chromosomes in the gnomAD database, including 2 homozygotes and is found predominately within the Ashkenazi Jewish subpopulation at a frequency of 0.013. The observed variant frequency in gnomAD is approximately 2-fold of the estimated maximal expected allele frequency for a pathogenic variant in TTN causing Dilated Cardiomyopathy phenotype (0.0006 vs 0.00039), suggesting that the variant is benign. c.52301A>G has been reported in the literature in settings of multigene panel testing and clinical exome sequencing in individuals affected with Hypertrophic Cardiomyopathy and an individual suspected of a TTN-related cardiomyopathy (e.g. Lee_2013, Lopes_2013, Campuzano_2015, Martinez-Barrios_2022). These reports do not provide unequivocal conclusions about association of the variant with Dilated Cardiomyopathy. To our knowledge, no experimental evidence demonstrating an impact on protein function has been reported. The following publications have been ascertained in the context of this evaluation (PMID: 26516846, 25326637, 23396983, 35207729). ClinVar contains an entry for this variant (Variation ID: 47157). Based on the evidence outlined above, the variant was classified as likely benign.

GeneDx
Classification: Benign. Last evaluated: 2018-03-19. Review status: criteria provided, single submitter. Criteria: GeneDx Variant Classification Process June 2021. Collection method: clinical testing. Allele origin: germline. Affected: yes.
Comment: This variant is associated with the following publications: (PMID: 25326637)

Ambry Genetics
Classification: Benign for Cardiovascular phenotype. Last evaluated: 2018-03-07. Review status: criteria provided, single submitter. Criteria: Ambry Variant Classification Scheme 2023. Collection method: clinical testing. Allele origin: germline.

Labcorp Genetics (formerly Invitae), Labcorp
Classification: Uncertain significance for Dilated cardiomyopathy 1G; Autosomal recessive limb-girdle muscular dystrophy type 2J. Last evaluated: 2017-08-31. Review status: criteria provided, single submitter. Criteria: Invitae Variant Classification Sherloc (09022015). Collection method: clinical testing. Allele origin: germline.

Illumina Laboratory Services, Illumina
Classification: Uncertain significance for Autosomal recessive limb-girdle muscular dystrophy type 2J. Last evaluated: 2017-06-19. Review status: criteria provided, single submitter. Criteria: ICSL Variant Classification Criteria 13 December 2019. Collection method: clinical testing. Allele origin: germline.

Illumina Laboratory Services, Illumina
Classification: Uncertain significance for Early-onset myopathy with fatal cardiomyopathy. Last evaluated: 2017-04-27. Review status: criteria provided, single submitter. Criteria: ICSL Variant Classification Criteria 13 December 2019. Collection method: clinical testing. Allele origin: germline.

CHEO Genetics Diagnostic Laboratory, Children's Hospital of Eastern Ontario
Classification: Uncertain significance for Cardiomyopathy. Last evaluated: 2016-08-17. Review status: criteria provided, single submitter. Criteria: ACMG Guidelines, 2015. Collection method: clinical testing. Allele origin: germline. Study: Canadian Open Genetics Repository.

Eurofins Ntd Llc (ga)
Classification: Uncertain significance. Last evaluated: 2015-01-14. Review status: criteria provided, single submitter. Criteria: EGL Classification Definitions 2015. Collection method: clinical testing. Allele origin: germline. Observed: 3 variant alleles, 3 heterozygotes.

Biesecker Lab/Clinical Genomics Section, National Institutes of Health
Classification: Likely benign. Last evaluated: 2013-06-24. Review status: criteria provided, single submitter. Criteria: Ng et al. (Circ Cardiovasc Genet. 2013). Collection method: research. Allele origin: unknown. Observed: 2 variant alleles. Study: ClinSeq.
Comment: The study set was not selected for affection status in relation to any cancer. Pathogenicity categories were based on literature curation. See Pubmed ID:23861362 for details.

Medical sequencing

Laboratory for Molecular Medicine, Mass General Brigham Personalized Medicine
Classification: Uncertain significance. Last evaluated: 2012-04-12. Review status: criteria provided, single submitter. Criteria: LMM Criteria. Collection method: clinical testing. Allele origin: germline. Observed: 1 variant allele.
Comment: The Asp17434Gly variant (TTN) has been identified in 5/6594 European American ch romosomes from a broad population by the NHLBI Exome Sequencing Project. This frequency raises the possibility that the varia nt is benign but is too low to confidently exclude a disease causing role. Compu tational analyses (biochemical amino acid properties, conservation, AlignGVGD, a nd SIFT) do not provide strong support for or against an impact to the protein. Additional information is needed to further assess the clinical significance of this variant.

Literature cited by the submitters: PubMed 23396983 (cited by Women's Health and Genetics/Laboratory Corporation of America, LabCorp); PubMed 25326637 (cited by Women's Health and Genetics/Laboratory Corporation of America, LabCorp); PubMed 26516846 (cited by Women's Health and Genetics/Laboratory Corporation of America, LabCorp); PubMed 35207729 (cited by Women's Health and Genetics/Laboratory Corporation of America, LabCorp).

NM_001267550.2(TTN):c.60005A>G (p.Asp20002Gly)

Genes: TTN (titin; minus strand), TTN-AS1 (TTN antisense RNA 1; plus strand), LOC126806424 (CDK7 strongly-dependent group 2 enhancer GRCh37_chr2:179456337-179457536; plus strand). Cytogenetic location: 2q31.2.
Variant type: single nucleotide variant.
Coding change: c.60005A>G on transcript NM_001267550.2 (MANE Select); coding-DNA position 60005, A replaced by G.
Protein change: p.Asp20002Gly; replaces aspartic acid 20002 with glycine.
Molecular consequence: missense variant.
Genome position (GRCh38, 1-based): chr2:178,591,814, T>C on the plus strand (A>G on the coding strand, the complement: TTN is on the minus strand). VCF-style: chr2-178591814-T-C. GRCh37 (hg19) VCF-style: chr2-179456541-T-C.
Other names: p.D18361G:GAT>GGT; c.55082A>G, p.Asp18361Gly (NM_001256850.1); c.52301A>G, p.Asp17434Gly (NM_133378.4); c.32810A>G, p.Asp10937Gly (NM_003319.4); c.33185A>G, p.Asp11062Gly (NM_133432.3); c.33386A>G, p.Asp11129Gly (NM_133437.4); short protein forms D20002G, D17434G, D18361G, D11129G, D10937G, D11062G.
Identifiers: ClinVar variation 47157 (VCV000047157.48), dbSNP rs199512049, ClinGen allele CA140165.